The following is an entry in ClinVar:

ClinVar aggregate classification (germline): Pathogenic. Review status: criteria provided, multiple submitters, no conflicts (2 of 4 stars). 10 submissions from 10 submitters: Pathogenic (10). Last evaluated 2025-08-03.

Conditions:
Sotos syndrome (SOTOS). Also called: Sotos' syndrome; Distinctive facial appearance, overgrowth in childhood, and learning disabilities or delayed development; CEREBRAL GIGANTISM; SOTOS SYNDROME 1; CHROMOSOME 5q35 DELETION SYNDROME. Identifiers: Orphanet 821, MedGen C0175695, MONDO:0019349, OMIM 117550.
Acute myeloid leukemia (AML). Also called: Leukemia, acute myeloid, somatic; Leukemia, acute myelogenous, somatic; Acute myeloid leukemia, adult; AML adult; Acute non-lymphocytic leukemia; Acute granulocytic leukemia. Identifiers: Orphanet 519, MedGen C0023467, MeSH D015470, MONDO:0018874, OMIM 601626, HP:0004808. Disease mechanism: Constitutively activated FLT3.
Neurodevelopmental delay. Identifiers: MedGen C4022738, HP:0012758.

Submissions (10):

Dasa
Classification: Pathogenic. Last evaluated: 2025-08-03. Review status: criteria provided, single submitter. Criteria: DASA Assertion Criteria. Collection method: clinical testing. Allele origin: germline.
Comment: NM_022455.5(NSD1):c.5332C>T (p.Arg1778*) introduces a premature termination codon predicted to undergo nonsense-mediated decay. Loss-of-function is an established mechanism of disease for this gene. The variant has been reported in individuals with Sotos syndrome (PMID: 12464997, 37384309). Based on the available data, this variant is classified as pathogenic.

Labcorp Genetics (formerly Invitae), Labcorp
Classification: Pathogenic. Last evaluated: 2023-05-19. Review status: criteria provided, single submitter. Criteria: Invitae Variant Classification Sherloc (09022015). Collection method: clinical testing. Allele origin: germline.
Comment: For these reasons, this variant has been classified as Pathogenic. ClinVar contains an entry for this variant (Variation ID: 194672). This premature translational stop signal has been observed in individual(s) with Sotos syndrome (PMID: 12464997). This variant is not present in population databases (gnomAD no frequency). This sequence change creates a premature translational stop signal (p.Arg1778*) in the NSD1 gene. It is expected to result in an absent or disrupted protein product. Loss-of-function variants in NSD1 are known to be pathogenic (PMID: 12464997, 14571271, 15942875, 16247291).

Revvity Omics, Revvity
Classification: Pathogenic for Sotos syndrome. Last evaluated: 2022-12-21. Review status: criteria provided, single submitter. Criteria: ACMG Guidelines, 2015. Collection method: clinical testing. Allele origin: germline.

3billion
Classification: Pathogenic for Sotos syndrome. Last evaluated: 2022-01-03. Review status: criteria provided, single submitter. Criteria: ACMG Guidelines, 2015. Collection method: clinical testing. Allele origin: germline. Affected: yes. Observed: 1 variant allele, 1 heterozygote.
Comment: The variant has been reported at least twice as pathogenic/likely pathogenic with clinical assertions and evidence for the classification (ClinVar ID: VCV000194672, PMID:12464997). Stop-gained (nonsense): predicted to result in a loss or disruption of normal protein function through nonsense-mediated decay (NMD) or protein truncation. Multiple pathogenic variants are reported downstream of the variant (PVS1_VS). It is not observed in the gnomAD v2.1.1 dataset (PM2_M). Therefore, this variant is classified as pathogenic according to the recommendation of ACMG/AMP guideline.

Genome-Nilou Lab
Classification: Pathogenic for Sotos syndrome. Last evaluated: 2021-07-15. Review status: criteria provided, single submitter. Criteria: ACMG Guidelines, 2015. Collection method: clinical testing. Allele origin: germline. Affected: no.

CeGaT Center for Human Genetics Tuebingen
Classification: Pathogenic. Last evaluated: 2020-08-01. Review status: criteria provided, single submitter. Criteria: CeGaT Center For Human Genetics Tuebingen Variant Classification Criteria Version 2. Collection method: clinical testing. Allele origin: germline. Affected: yes. Observed: 1 variant allele.

Fulgent Genetics
Classification: Pathogenic for Sotos syndrome; Acute myeloid leukemia. Last evaluated: 2018-10-31. Review status: criteria provided, single submitter. Criteria: ACMG Guidelines, 2015. Collection method: clinical testing. Allele origin: unknown.

Center for Human Genetics, Inc
Classification: Pathogenic. Last evaluated: 2016-11-01. Review status: criteria provided, single submitter. Criteria: ACMG Guidelines, 2015. Collection method: clinical testing. Allele origin: germline. Affected: yes.

Eurofins Ntd Llc (ga)
Classification: Pathogenic. Last evaluated: 2014-09-23. Review status: criteria provided, single submitter. Criteria: EGL Classification Definitions 2015. Collection method: clinical testing. Allele origin: germline. Observed: 1 variant allele, 1 heterozygote.

Centre de Biologie Pathologie Génétique, Centre Hospitalier Universitaire de Lille
Classification: Pathogenic for Neurodevelopmental delay. Review status: criteria provided, single submitter. Criteria: ACMG Guidelines, 2015. Collection method: clinical testing. Allele origin: unknown. Affected: yes.

Literature cited by the submitters: PubMed 12464997 (cited by 4 submitters); PubMed 37384309 (cited by Dasa); PubMed 14571271 (cited by Labcorp Genetics (formerly Invitae), Labcorp); PubMed 15942875 (cited by Labcorp Genetics (formerly Invitae), Labcorp); PubMed 16247291 (cited by Labcorp Genetics (formerly Invitae), Labcorp).

NM_022455.5(NSD1):c.5332C>T (p.Arg1778Ter)

Genes: NSD1 (nuclear receptor binding SET domain protein 1; plus strand), LOC126807619 (MED14-independent group 3 enhancer GRCh37_chr5:176696443-176697642; plus strand). Cytogenetic location: 5q35.3.
Variant type: single nucleotide variant.
Coding change: c.5332C>T on transcript NM_022455.5 (MANE Select); coding-DNA position 5332, C replaced by T.
Protein change: p.Arg1778Ter; replaces arginine 1778 with a stop codon.
Molecular consequence: nonsense.
Genome position (GRCh38, 1-based): chr5:177,269,630, C>T. VCF-style: chr5-177269630-C-T. GRCh37 (hg19) VCF-style: chr5-176696631-C-T.
Other names: c.4459C>T, p.Arg1487Ter (NM_001365684.2, NM_001409308.1, NM_001409309.1 and 1 more transcripts); c.5332C>T, p.Arg1778Ter (NM_001409301.1, NM_001409302.1, NM_001409303.1); c.4912C>T, p.Arg1638Ter (NM_001409304.1); c.4579C>T, p.Arg1527Ter (NM_001409305.1); c.4570C>T, p.Arg1524Ter (NM_001409306.1, NM_001409307.1); short protein forms R1778*, R1509*, R1524*, R1527*, R1638*, R1487*.
Identifiers: ClinVar variation 194672 (VCV000194672.55), dbSNP rs794727176, ClinGen allele CA302771.